The following is an entry in ClinVar:

NM_004369.4(COL6A3):c.8998A>G (p.Ile3000Val)

Gene: COL6A3 (collagen type VI alpha 3 chain; minus strand). Cytogenetic location: 2q37.3.
Variant type: single nucleotide variant.
Coding change: c.8998A>G on transcript NM_004369.4 (MANE Select); coding-DNA position 8998, A replaced by G.
Protein change: p.Ile3000Val; replaces isoleucine 3000 with valine.
Molecular consequence: missense variant.
Genome position (GRCh38, 1-based): chr2:237,334,857, T>C on the plus strand (A>G on the coding strand, the complement: COL6A3 is on the minus strand). VCF-style: chr2-237334857-T-C. GRCh37 (hg19) VCF-style: chr2-238243500-T-C.
Other names: c.7177A>G, p.Ile2393Val (NM_057166.5); c.8380A>G, p.Ile2794Val (NM_057167.4); short protein forms I2393V, I2794V, I3000V.
Identifiers: ClinVar variation 4885341 (VCV004885341.2).

ClinVar aggregate classification (germline): Uncertain significance (1 of 4 stars; one submission).

gnomAD v4.1: 2 of 1,614,172 alleles (0.00012%); highest among the groups gnomAD compares: Middle Eastern, 0.016%; no homozygotes.

Submission:

Dasa
Classification: Uncertain significance. Last evaluated: 2025-08-27. Review status: criteria provided, single submitter. Criteria: DASA Assertion Criteria. Collection method: clinical testing. Allele origin: germline.
Comment: NM_004369.4(COL6A3):c.8998A>G (p.Ile3000Val) is a missense variant that results in the substitution of isoleucine with valine. This variant is rare in population databases. Computational prediction algorithms are consistent with a benign effect. The currently available literature and clinical evidence are not sufficient to establish a definitive association between this variant and the reported condition. Therefore, this variant is classified as a variant of uncertain significance.